The following is an entry in ClinVar:

NM_005121.3(MED13):c.4778A>G (p.Gln1593Arg)

Gene: MED13 (mediator complex subunit 13; minus strand). Cytogenetic location: 17q23.2.
Variant type: single nucleotide variant.
Coding change: c.4778A>G on transcript NM_005121.3 (MANE Select); coding-DNA position 4778, A replaced by G.
Protein change: p.Gln1593Arg; replaces glutamine 1593 with arginine.
Molecular consequence: missense variant.
Genome position (GRCh38, 1-based): chr17:61,965,072, T>C on the plus strand (A>G on the coding strand, the complement: MED13 is on the minus strand). VCF-style: chr17-61965072-T-C. GRCh37 (hg19) VCF-style: chr17-60042433-T-C.
Other names: short protein forms Q1593R.
Identifiers: ClinVar variation 4984890 (VCV004984890.1).

ClinVar aggregate classification (germline): Uncertain significance (1 of 4 stars; one submission).

Conditions:
MED13-related disorder. Also called: MED13-related condition.

gnomAD v4.1: 2 of 1,614,206 alleles (0.00012%); highest among the groups gnomAD compares: Non-Finnish European, 0.000085%; no homozygotes.

Submission:

PreventionGenetics, part of Exact Sciences
Classification: Uncertain significance for MED13-related condition. Last evaluated: 2026-03-06. Review status: criteria provided, single submitter. Criteria: ACMG Guidelines, 2015. Collection method: clinical testing. Allele origin: germline.
Comment: The MED13 c.4778A>G variant is predicted to result in the amino acid substitution p.Gln1593Arg. To our knowledge, this variant has not been reported in the literature or in a large population database (gnomAD), indicating this variant is rare. At this time, the clinical significance of this variant is uncertain due to the absence of conclusive functional and genetic evidence.